The following is an entry in ClinVar:

NM_000170.3(GLDC):c.2183G>A (p.Gly728Glu)

Gene: GLDC (glycine decarboxylase; minus strand). Cytogenetic location: 9p24.1.
Variant type: single nucleotide variant.
Coding change: c.2183G>A on transcript NM_000170.3 (MANE Select); coding-DNA position 2183, G replaced by A.
Protein change: p.Gly728Glu; replaces glycine 728 with glutamic acid.
Molecular consequence: missense variant.
Genome position (GRCh38, 1-based): chr9:6,556,172, C>T on the plus strand (G>A on the coding strand, the complement: GLDC is on the minus strand). VCF-style: chr9-6556172-C-T. GRCh37 (hg19) VCF-style: chr9-6556172-C-T.
Other names: short protein forms G728E.
Identifiers: ClinVar variation 2735246 (VCV002735246.4), dbSNP rs1817626453, ClinGen allele CA372881198.

ClinVar aggregate classification (germline): Pathogenic. Review status: criteria provided, multiple submitters, no conflicts (2 of 4 stars). 2 submissions from 2 submitters: Pathogenic (2). Last evaluated 2026-01-02.

Conditions:
Glycine encephalopathy. Also called: Nonketotic hyperglycinemia; Non-ketotic hyperglycinemia. Identifiers: Orphanet 407, MedGen C0751748, MONDO:0011612, HP:0008288.

Submissions (2):

Women's Health and Genetics/Laboratory Corporation of America, LabCorp
Classification: Pathogenic for Glycine encephalopathy. Last evaluated: 2026-01-02. Review status: criteria provided, single submitter. Criteria: LabCorp Variant Classification Summary - May 2015. Collection method: clinical testing. Allele origin: germline.
Comment: Variant summary: GLDC c.2183G>A (p.Gly728Glu) results in a non-conservative amino acid change in the encoded protein sequence. Algorithms developed to predict the effect of missense changes on protein structure and function all suggest that this variant is likely to be disruptive. The variant was absent in 251430 control chromosomes. c.2183G>A has been observed in individuals affected with Glycine Encephalopathy (Non-Ketotic Hyperglycinemia) (Swanson_2015, Swanson_2022). These data indicate that the variant is likely to be associated with disease. A different variant affecting the same codon has been classified as likely pathogenic/pathogenic by our lab (c.2182G>A, p.Gly728Arg), supporting the critical relevance of codon 728 to GLDC protein function. To our knowledge, no experimental evidence demonstrating an impact on protein function has been reported. The following publications have been ascertained in the context of this evaluation (PMID: 26179960, 35357708). ClinVar contains an entry for this variant (Variation ID: 2735246). Based on the evidence outlined above, the variant was classified as pathogenic.

Labcorp Genetics (formerly Invitae), Labcorp
Classification: Pathogenic for Glycine encephalopathy. Last evaluated: 2023-11-21. Review status: criteria provided, single submitter. Criteria: Invitae Variant Classification Sherloc (09022015). Collection method: clinical testing. Allele origin: germline.
Comment: This sequence change replaces glycine, which is neutral and non-polar, with glutamic acid, which is acidic and polar, at codon 728 of the GLDC protein (p.Gly728Glu). This variant is not present in population databases (gnomAD no frequency). This missense change has been observed in individual(s) with glycine encephalopathy (PMID: 26179960). In at least one individual the data is consistent with being in trans (on the opposite chromosome) from a pathogenic variant. Advanced modeling of protein sequence and biophysical properties (such as structural, functional, and spatial information, amino acid conservation, physicochemical variation, residue mobility, and thermodynamic stability) performed at Invitae indicates that this missense variant is expected to disrupt GLDC protein function with a positive predictive value of 80%. This variant disrupts the p.Gly728Arg amino acid residue in GLDC. Other variant(s) that disrupt this residue have been determined to be pathogenic (PMID: 27362913; Invitae). This suggests that this residue is clinically significant, and that variants that disrupt this residue are likely to be disease-causing. For these reasons, this variant has been classified as Pathogenic.

Literature cited by the submitters: PubMed 26179960 (cited by Women's Health and Genetics/Laboratory Corporation of America, LabCorp and Labcorp Genetics (formerly Invitae), Labcorp); PubMed 35357708 (cited by Women's Health and Genetics/Laboratory Corporation of America, LabCorp); PubMed 27362913 (cited by Labcorp Genetics (formerly Invitae), Labcorp).